The following is an entry in ClinVar:

ClinVar aggregate classification (germline): Uncertain significance (1 of 4 stars; one submission).

Conditions:
Nephronophthisis. Also called: Juvenile Nephronophthisis. Identifiers: Orphanet 655, MedGen C0687120, MONDO:0019005, HP:0000090.
Meckel-Gruber syndrome. Also called: DYSENCEPHALIA SPLANCHNOCYSTICA; GRUBER SYNDROME; Dysencephalia splachnocystica. Identifiers: Orphanet 564, MedGen C0265215, MONDO:0018921.
Joubert syndrome. Also called: CEREBELLOPARENCHYMAL DISORDER IV; JOUBERT-BOLTSHAUSER SYNDROME; Familial aplasia of the vermis. Identifiers: Orphanet 475, MedGen C5979921, MONDO:0018772.

Submission:

Labcorp Genetics (formerly Invitae), Labcorp
Classification: Uncertain significance for Joubert syndrome; Meckel-Gruber syndrome; Nephronophthisis. Last evaluated: 2021-03-12. Review status: criteria provided, single submitter. Criteria: Invitae Variant Classification Sherloc (09022015). Collection method: clinical testing. Allele origin: germline.
Comment: This variant has not been reported in the literature in individuals with CEP290-related conditions. In summary, the available evidence is currently insufficient to determine the role of this variant in disease. Therefore, it has been classified as a Variant of Uncertain Significance. Algorithms developed to predict the effect of missense changes on protein structure and function are either unavailable or do not agree on the potential impact of this missense change (SIFT: "Deleterious"; PolyPhen-2: "Probably Damaging"; Align-GVGD: "Class C0"). This variant is not present in population databases (ExAC no frequency). This sequence change replaces serine with tyrosine at codon 772 of the CEP290 protein (p.Ser772Tyr). The serine residue is moderately conserved and there is a large physicochemical difference between serine and tyrosine.

NM_025114.4(CEP290):c.2315C>A (p.Ser772Tyr)

Gene: CEP290 (centrosomal protein 290; minus strand). Cytogenetic location: 12q21.32.
Variant type: single nucleotide variant.
Coding change: c.2315C>A on transcript NM_025114.4 (MANE Select); coding-DNA position 2315, C replaced by A.
Protein change: p.Ser772Tyr; replaces serine 772 with tyrosine.
Molecular consequence: missense variant.
Genome position (GRCh38, 1-based): chr12:88,111,254, G>T on the plus strand (C>A on the coding strand, the complement: CEP290 is on the minus strand). VCF-style: chr12-88111254-G-T. GRCh37 (hg19) VCF-style: chr12-88505031-G-T.
Other names: short protein forms S772Y.
Identifiers: ClinVar variation 1516264 (VCV001516264.8), dbSNP rs2137709342, ClinGen allele CA385974542.
Genomic context (GRCh38, chr12:88,111,254, plus strand): 5'-TTCAATACCTGTAACAAATGTATTAAATATTCATTCTGAGAATTAATGATACTGGCACTA[G>T]ATGGTGCTATCCCATCAGGTAAGTCAATTCCTTTAAAAACAACATTTGATCCTTCTGATT-3'
Protein context (NP_079390.3, residues 762-782): GIDLPDGIAP[Ser772Tyr]SASIINSQNE